The following is an entry in ClinVar:

ClinVar aggregate classification (germline): Uncertain significance (1 of 4 stars; one submission).

Conditions:
Cardiovascular phenotype. Identifiers: MedGen CN230736.

Allele frequency attached by ClinVar (database versions not stated): TOPMed 0.00003.

Submission:

Ambry Genetics
Classification: Uncertain significance for Cardiovascular phenotype. Last evaluated: 2022-12-22. Review status: criteria provided, single submitter. Criteria: Ambry Variant Classification Scheme 2023. Collection method: clinical testing. Allele origin: germline.
Comment: The p.P707S variant (also known as c.2119C>T), located in coding exon 17 of the DMD gene, results from a C to T substitution at nucleotide position 2119. The proline at codon 707 is replaced by serine, an amino acid with similar properties. This amino acid position is highly conserved in available vertebrate species. In addition, the in silico prediction for this alteration is inconclusive. Since supporting evidence is limited at this time, the clinical significance of this alteration remains unclear.

NM_004006.3(DMD):c.2119C>T (p.Pro707Ser)

Gene: DMD (dystrophin; minus strand). Cytogenetic location: Xp21.1.
Variant type: single nucleotide variant.
Coding change: c.2119C>T on transcript NM_004006.3 (MANE Select); coding-DNA position 2119, C replaced by T.
Protein change: p.Pro707Ser; replaces proline 707 with serine.
Molecular consequence: missense variant.
Genome position (GRCh38, 1-based): chrX:32,545,208, G>A on the plus strand (C>T on the coding strand, the complement: DMD is on the minus strand). VCF-style: chrX-32545208-G-A. GRCh37 (hg19) VCF-style: chrX-32563325-G-A.
Other names: c.2095C>T, p.Pro699Ser (NM_000109.4); c.2107C>T, p.Pro703Ser (NM_004009.3); c.1750C>T, p.Pro584Ser (NM_004010.3); short protein forms P707S, P699S, P584S, P703S.
Identifiers: ClinVar variation 2450346 (VCV002450346.2), dbSNP rs754801938, ClinGen allele CA328025233.
Genomic context (GRCh38, chrX:32,545,208, plus strand): 5'-GATGCTCTCACCTTTTCCTAATTTCAGAATCCACAGTAATCTGCCTCTTCTTTTGGGGAG[G>A]TGGTGGTGGAAGTTCCTCTTGAGCATGCTTTACCAGGATCTGTTCCCTTGTGGTCACCGT-3'
Protein context (NP_003997.2, residues 697-717): KHAQEELPPP[Pro707Ser]PQKKRQITVD